The following is an entry in ClinVar:

NM_033305.3(VPS13A):c.4412+3A>G

Gene: VPS13A (vacuolar protein sorting 13 homolog A; plus strand). Cytogenetic location: 9q21.2.
Variant type: single nucleotide variant.
Coding change: c.4412+3A>G on transcript NM_033305.3 (MANE Select); 3 bases into the intron after coding-DNA position 4412, A replaced by G.
Molecular consequence: intron variant.
Genome position (GRCh38, 1-based): chr9:77,314,667, A>G. VCF-style: chr9-77314667-A-G. GRCh37 (hg19) VCF-style: chr9-79929583-A-G.
Other names: c.4295+3A>G (NM_001018037.2); c.4412+3A>G (NM_015186.4, NM_001018038.3).
Identifiers: ClinVar variation 2140080 (VCV002140080.3), dbSNP rs373478900, ClinGen allele CA5092510.

ClinVar aggregate classification (germline): Uncertain significance. Review status: criteria provided, multiple submitters, no conflicts (2 of 4 stars). 2 submissions from 2 submitters: Uncertain significance (2). Last evaluated 2025-04-11.

Allele frequency attached by ClinVar (database versions not stated): ExAC 0.00006; TOPMed 0.00014; ESP Exome Variant Server 0.00015; gnomAD exomes 0.00001; gnomAD 0.00015.
gnomAD v4.1: 39 of 1,609,852 alleles (0.0024%); highest among the groups gnomAD compares: African/African-American, 0.044%; no homozygotes.

Submissions (2):

Women's Health and Genetics/Laboratory Corporation of America, LabCorp
Classification: Uncertain significance. Last evaluated: 2025-04-11. Review status: criteria provided, single submitter. Criteria: LabCorp Variant Classification Summary - May 2015. Collection method: clinical testing. Allele origin: germline.

Labcorp Genetics (formerly Invitae), Labcorp
Classification: Uncertain significance. Last evaluated: 2022-01-21. Review status: criteria provided, single submitter. Criteria: Invitae Variant Classification Sherloc (09022015). Collection method: clinical testing. Allele origin: germline.
Comment: This sequence change falls in intron 37 of the VPS13A gene. It does not directly change the encoded amino acid sequence of the VPS13A protein. It affects a nucleotide within the consensus splice site. This variant is present in population databases (rs373478900, gnomAD 0.05%). This variant has not been reported in the literature in individuals affected with VPS13A-related conditions. Variants that disrupt the consensus splice site are a relatively common cause of aberrant splicing (PMID: 17576681, 9536098). Algorithms developed to predict the effect of sequence changes on RNA splicing suggest that this variant may disrupt the consensus splice site. In summary, the available evidence is currently insufficient to determine the role of this variant in disease. Therefore, it has been classified as a Variant of Uncertain Significance.

Literature cited by the submitters: PubMed 17576681 (cited by Labcorp Genetics (formerly Invitae), Labcorp); PubMed 9536098 (cited by Labcorp Genetics (formerly Invitae), Labcorp).